The following is an entry in ClinVar:

NM_000384.3(APOB):c.11903+1G>C

Gene: APOB (apolipoprotein B; minus strand). Cytogenetic location: 2p24.1.
Variant type: single nucleotide variant.
Coding change: c.11903+1G>C on transcript NM_000384.3 (MANE Select); the canonical splice donor site of the intron after coding-DNA position 11903, G replaced by C.
Molecular consequence: splice donor variant.
Genome position (GRCh38, 1-based): chr2:21,004,560, C>G on the plus strand (G>C on the coding strand, the complement: APOB is on the minus strand). VCF-style: chr2-21004560-C-G. GRCh37 (hg19) VCF-style: chr2-21227432-C-G.
Identifiers: ClinVar variation 3760082 (VCV003760082.2).

ClinVar aggregate classification (germline): Likely pathogenic (1 of 4 stars; one submission).

Conditions:
Familial hypobetalipoproteinemia 1. Also called: APOB-Related Familial Hypobetalipoproteinemia; Hypobetalipoproteinemia, normotriglyceridemic; Acanthocytosis with hypobetalipoproteinemia. Identifiers: MedGen C4551990, MONDO:0014252, OMIM 615558.
Hypercholesterolemia, autosomal dominant, type B (FHCL2). Also called: Familial Hypercholesterolemia Type B; APOLIPOPROTEIN B-100, FAMILIAL DEFECTIVE; APOLIPOPROTEIN B-100, FAMILIAL LIGAND-DEFECTIVE; HYPERCHOLESTEROLEMIA, FAMILIAL, DUE TO LIGAND-DEFECTIVE APOLIPOPROTEIN B; Hyperlipoproteinemia Type IIb; Familial hypercholesterolemia 2. Identifiers: MedGen C1704417, MONDO:0007751, OMIM 144010.

Submission:

Labcorp Genetics (formerly Invitae), Labcorp
Classification: Likely pathogenic for Familial hypobetalipoproteinemia 1; Hypercholesterolemia, autosomal dominant, type B. Last evaluated: 2024-12-17. Review status: criteria provided, single submitter. Criteria: Invitae Variant Classification Sherloc (09022015). Collection method: clinical testing. Allele origin: germline.
Comment: This sequence change affects a donor splice site in intron 27 of the APOB gene. It is expected to disrupt RNA splicing. Variants that disrupt the donor or acceptor splice site typically lead to a loss of protein function (PMID: 16199547), and loss-of-function variants in APOB are known to be pathogenic (PMID: 20032471). This variant is not present in population databases (gnomAD no frequency). This variant has not been reported in the literature in individuals affected with APOB-related conditions. Algorithms developed to predict the effect of sequence changes on RNA splicing suggest that this variant may disrupt the consensus splice site. In summary, the currently available evidence indicates that the variant is pathogenic, but additional data are needed to prove that conclusively. Therefore, this variant has been classified as Likely Pathogenic.

Literature cited by the submitters: PubMed 16199547; PubMed 20032471.